The following is an entry in ClinVar:

ClinVar aggregate classification (germline): Uncertain significance (1 of 4 stars; one submission).

gnomAD v4.1: 6 of 1,606,422 alleles (0.00037%); highest among the groups gnomAD compares: Non-Finnish European, 0.00051%; no homozygotes.

Submission:

GeneDx
Classification: Uncertain significance. Last evaluated: 2024-05-01. Review status: criteria provided, single submitter. Criteria: GeneDx Variant Classification Process June 2021. Collection method: clinical testing. Allele origin: germline. Affected: yes.
Comment: Not observed at significant frequency in large population cohorts (gnomAD); Missense variant in a gene in which most reported pathogenic variants are truncating/loss of function; Has not been previously published as pathogenic or benign to our knowledge

NM_001267550.2(TTN):c.65597G>A (p.Ser21866Asn)

Genes: TTN (titin; minus strand), TTN-AS1 (TTN antisense RNA 1; plus strand). Cytogenetic location: 2q31.2.
Variant type: single nucleotide variant.
Coding change: c.65597G>A on transcript NM_001267550.2 (MANE Select); coding-DNA position 65597, G replaced by A.
Protein change: p.Ser21866Asn; replaces serine 21866 with asparagine.
Molecular consequence: missense variant.
Genome position (GRCh38, 1-based): chr2:178,583,206, C>T on the plus strand (G>A on the coding strand, the complement: TTN is on the minus strand). VCF-style: chr2-178583206-C-T. GRCh37 (hg19) VCF-style: chr2-179447933-C-T.
Other names: c.60674G>A, p.Ser20225Asn (NM_001256850.1); c.38402G>A, p.Ser12801Asn (NM_003319.4); c.57893G>A, p.Ser19298Asn (NM_133378.4); c.38777G>A, p.Ser12926Asn (NM_133432.3); c.38978G>A, p.Ser12993Asn (NM_133437.4); short protein forms S12801N, S12926N, S12993N, S19298N, S20225N, S21866N.
Identifiers: ClinVar variation 3373308 (VCV003373308.1).